The following is an entry in ClinVar:

NM_001083619.3(GRIA2):c.384G>A (p.Met128Ile)

Gene: GRIA2 (glutamate ionotropic receptor AMPA type subunit 2; plus strand). Cytogenetic location: 4q32.1.
Variant type: single nucleotide variant.
Coding change: c.384G>A on transcript NM_001083619.3 (MANE Select); coding-DNA position 384, G replaced by A.
Protein change: p.Met128Ile; replaces methionine 128 with isoleucine.
Molecular consequence: missense variant.
Genome position (GRCh38, 1-based): chr4:157,303,706, G>A. VCF-style: chr4-157303706-G-A. GRCh37 (hg19) VCF-style: chr4-158224858-G-A.
Other names: c.384G>A, p.Met128Ile (NM_000826.6); c.243G>A, p.Met81Ile (NM_001083620.3, NM_001379000.3, NM_001379001.3); short protein forms M128I, M81I.
Identifiers: ClinVar variation 2583024 (VCV002583024.25), dbSNP rs201193559, ClinGen allele CA3120140.

ClinVar aggregate classification (germline): Benign (1 of 4 stars; one submission).

Allele frequency attached by ClinVar (database versions not stated): gnomAD exomes 0.00010; ExAC 0.00021; gnomAD 0.00025; TOPMed 0.00003; ESP Exome Variant Server 0.00008.

Submission:

CeGaT Center for Human Genetics Tuebingen
Classification: Benign. Last evaluated: 2023-09-01. Review status: criteria provided, single submitter. Criteria: CeGaT Center For Human Genetics Tuebingen Variant Classification Criteria Version 2. Collection method: clinical testing. Allele origin: germline. Affected: yes. Observed: 1 variant allele.
Comment: GRIA2: BS1, BS2